The following is an entry in ClinVar:

ClinVar aggregate classification (germline): Uncertain significance. Review status: criteria provided, multiple submitters, no conflicts (2 of 4 stars). 2 submissions from 2 submitters: Uncertain significance (2). Last evaluated 2025-04-11.

Conditions:
Familial thoracic aortic aneurysm and aortic dissection (TAAD). Also called: Thoracic aortic aneurysms and dissections. Identifiers: Orphanet 91387, MedGen C4707243, MONDO:0019625.
Aortic aneurysm, familial thoracic 7 (AAT7). Also called: AORTIC DISSECTION, FAMILIAL, WITH OR WITHOUT AORTIC ANEURYSM. Identifiers: MedGen C3151077, MONDO:0013418, OMIM 613780.

gnomAD v4.1: 3 of 1,614,172 alleles (0.00019%); highest among the groups gnomAD compares: East Asian, 0.0022%; no homozygotes.

Submissions (2):

Labcorp Genetics (formerly Invitae), Labcorp
Classification: Uncertain significance for Aortic aneurysm, familial thoracic 7. Last evaluated: 2025-04-11. Review status: criteria provided, single submitter. Criteria: Invitae Variant Classification Sherloc (09022015). Collection method: clinical testing. Allele origin: germline.
Comment: This sequence change replaces arginine, which is basic and polar, with leucine, which is neutral and non-polar, at codon 1301 of the MYLK protein (p.Arg1301Leu). This variant is present in population databases (no rsID available, gnomAD 0.004%). This variant has not been reported in the literature in individuals affected with MYLK-related conditions. ClinVar contains an entry for this variant (Variation ID: 1736037). Invitae Evidence Modeling of protein sequence and biophysical properties (such as structural, functional, and spatial information, amino acid conservation, physicochemical variation, residue mobility, and thermodynamic stability) indicates that this missense variant is not expected to disrupt MYLK protein function with a negative predictive value of 80%. In summary, the available evidence is currently insufficient to determine the role of this variant in disease. Therefore, it has been classified as a Variant of Uncertain Significance.

Ambry Genetics
Classification: Uncertain significance for Familial thoracic aortic aneurysm and aortic dissection. Last evaluated: 2022-07-14. Review status: criteria provided, single submitter. Criteria: Ambry Variant Classification Scheme 2023. Collection method: clinical testing. Allele origin: germline.
Comment: The p.R1301L variant (also known as c.3902G>T), located in coding exon 20 of the MYLK gene, results from a G to T substitution at nucleotide position 3902. The arginine at codon 1301 is replaced by leucine, an amino acid with dissimilar properties. This amino acid position is conserved. In addition, the in silico prediction for this alteration is inconclusive. Since supporting evidence is limited at this time, the clinical significance of this alteration remains unclear.

NM_053025.4(MYLK):c.3902G>T (p.Arg1301Leu)

Gene: MYLK (myosin light chain kinase; minus strand). Cytogenetic location: 3q21.1.
Variant type: single nucleotide variant.
Coding change: c.3902G>T on transcript NM_053025.4 (MANE Select); coding-DNA position 3902, G replaced by T.
Protein change: p.Arg1301Leu; replaces arginine 1301 with leucine.
Molecular consequence: missense variant.
Genome position (GRCh38, 1-based): chr3:123,664,188, C>A on the plus strand (G>T on the coding strand, the complement: MYLK is on the minus strand). VCF-style: chr3-123664188-C-A. GRCh37 (hg19) VCF-style: chr3-123383035-C-A.
Other names: c.3374G>T, p.Arg1125Leu (NM_001321309.2); c.3695G>T, p.Arg1232Leu (NM_053026.4, NM_053028.4); c.3902G>T, p.Arg1301Leu (NM_053027.4); short protein forms R1125L, R1232L, R1301L.
Identifiers: ClinVar variation 1736037 (VCV001736037.3), dbSNP rs770980369, ClinGen allele CA354229185.